The following is an entry in ClinVar:

ClinVar aggregate classification (germline): Uncertain significance. Review status: criteria provided, multiple submitters, no conflicts (2 of 4 stars). 4 submissions from 4 submitters: Uncertain significance (4). Last evaluated 2025-07-14.

Conditions:
Autosomal dominant nonsyndromic hearing loss 2A. Also called: Deafness, autosomal dominant 2A; DFNA2 Nonsyndromic Hearing Loss; Autosomal dominant nonsyndromic deafness 2A. Identifiers: Orphanet 90635, MedGen C2677637, MONDO:0010817, OMIM 600101.
Inborn genetic diseases. Identifiers: MedGen C0950123, MeSH D030342.

Allele frequency attached by ClinVar (database versions not stated): gnomAD exomes 0.00002 and 0.00003; ExAC 0.00004; gnomAD 0.00005; TOPMed 0.00006; 1000 Genomes Project 0.00020; 1000 Genomes Project 30x 0.00031.

Submissions (4):

Labcorp Genetics (formerly Invitae), Labcorp
Classification: Uncertain significance. Last evaluated: 2025-07-14. Review status: criteria provided, single submitter. Criteria: Invitae Variant Classification Sherloc (09022015). Collection method: clinical testing. Allele origin: germline.
Comment: This sequence change replaces arginine, which is basic and polar, with tryptophan, which is neutral and slightly polar, at codon 448 of the KCNQ4 protein (p.Arg448Trp). This variant is present in population databases (rs535365858, gnomAD 0.009%). This variant has not been reported in the literature in individuals affected with KCNQ4-related conditions. ClinVar contains an entry for this variant (Variation ID: 1687686). Invitae Evidence Modeling of protein sequence and biophysical properties (such as structural, functional, and spatial information, amino acid conservation, physicochemical variation, residue mobility, and thermodynamic stability) indicates that this missense variant is not expected to disrupt KCNQ4 protein function with a negative predictive value of 95%. In summary, the available evidence is currently insufficient to determine the role of this variant in disease. Therefore, it has been classified as a Variant of Uncertain Significance.

Genome-Nilou Lab
Classification: Uncertain significance for Autosomal dominant nonsyndromic hearing loss 2A. Last evaluated: 2023-04-11. Review status: criteria provided, single submitter. Criteria: ACMG Guidelines, 2015. Collection method: clinical testing. Allele origin: germline. Affected: no.

Ambry Genetics
Classification: Uncertain significance for Inborn genetic diseases. Last evaluated: 2022-11-07. Review status: criteria provided, single submitter. Criteria: Ambry Variant Classification Scheme 2023. Collection method: clinical testing. Allele origin: germline.

GeneDx
Classification: Uncertain significance. Last evaluated: 2021-11-29. Review status: criteria provided, single submitter. Criteria: GeneDx Variant Classification Process June 2021. Collection method: clinical testing. Allele origin: germline. Affected: yes.
Comment: In silico analysis supports that this missense variant has a deleterious effect on protein structure/function; Has not been previously published as pathogenic or benign to our knowledge

NM_004700.4(KCNQ4):c.1342C>T (p.Arg448Trp)

Gene: KCNQ4 (potassium voltage-gated channel subfamily Q member 4; plus strand). Cytogenetic location: 1p34.2.
Variant type: single nucleotide variant.
Coding change: c.1342C>T on transcript NM_004700.4 (MANE Select); coding-DNA position 1342, C replaced by T.
Protein change: p.Arg448Trp; replaces arginine 448 with tryptophan.
Molecular consequence: missense variant.
Genome position (GRCh38, 1-based): chr1:40,831,133, C>T. VCF-style: chr1-40831133-C-T. GRCh37 (hg19) VCF-style: chr1-41296805-C-T.
Other names: c.1180C>T, p.Arg394Trp (NM_172163.3); short protein forms R394W, R448W.
Identifiers: ClinVar variation 1687686 (VCV001687686.9), dbSNP rs535365858, ClinGen allele CA794866.